The following is an entry in ClinVar:

ClinVar aggregate classification (germline): Uncertain significance (1 of 4 stars; one submission).

Conditions:
Usher syndrome type 3B. Also called: USHER SYNDROME, TYPE IIIB. Identifiers: MedGen C3281066, MONDO:0013788, OMIM 614504.

Allele frequency attached by ClinVar (database versions not stated): TOPMed 0.00001.

Submission:

Labcorp Genetics (formerly Invitae), Labcorp
Classification: Uncertain significance for Usher syndrome type 3B. Last evaluated: 2020-08-01. Review status: criteria provided, single submitter. Criteria: Invitae Variant Classification Sherloc (09022015). Collection method: clinical testing. Allele origin: germline.
Comment: In summary, the available evidence is currently insufficient to determine the role of this variant in disease. Therefore, it has been classified as a Variant of Uncertain Significance. Algorithms developed to predict the effect of sequence changes on RNA splicing suggest that this variant may create or strengthen a splice site, but this prediction has not been confirmed by published transcriptional studies. This variant has not been reported in the literature in individuals with HARS-related conditions. This variant is not present in population databases (ExAC no frequency). This sequence change falls in intron 6 of the HARS gene. It does not directly change the encoded amino acid sequence of the HARS protein.

NM_002109.6(HARS1):c.630+8C>G

Gene: HARS1 (histidyl-tRNA synthetase 1; minus strand). Cytogenetic location: 5q31.3.
Variant type: single nucleotide variant.
Coding change: c.630+8C>G on transcript NM_002109.6 (MANE Select); 8 bases into the intron after coding-DNA position 630, C replaced by G.
Molecular consequence: intron variant.
Genome position (GRCh38, 1-based): chr5:140,677,900, G>C on the plus strand (C>G on the coding strand, the complement: HARS1 is on the minus strand). VCF-style: chr5-140677900-G-C. GRCh37 (hg19) VCF-style: chr5-140057485-G-C.
Other names: c.543+8C>G (NM_001289094.2); c.288+8C>G (NM_001289093.2); c.450+8C>G (NM_001258042.3); c.510+8C>G (NM_001258040.3); c.408+8C>G (NM_001289092.2); c.570+8C>G (NM_001258041.3).
Identifiers: ClinVar variation 1055465 (VCV001055465.9), dbSNP rs1021221934, ClinGen allele CA128377487.